The following is an entry in ClinVar:

NM_001360.3(DHCR7):c.690G>C (p.Gly230=)

Gene: DHCR7 (7-dehydrocholesterol reductase; minus strand). Cytogenetic location: 11q13.4.
Variant type: single nucleotide variant.
Coding change: c.690G>C on transcript NM_001360.3 (MANE Select); coding-DNA position 690, G replaced by C.
Protein change: p.Gly230=; no amino-acid change (glycine 230 retained).
Molecular consequence: synonymous variant.
Genome position (GRCh38, 1-based): chr11:71,439,020, C>G on the plus strand (G>C on the coding strand, the complement: DHCR7 is on the minus strand). VCF-style: chr11-71439020-C-G. GRCh37 (hg19) VCF-style: chr11-71150066-C-G.
Other names: c.690G>C, p.Gly230= (NM_001163817.2).
Identifiers: ClinVar variation 771554 (VCV000771554.14), dbSNP rs773393807, ClinGen allele CA6162485.
Genomic context (GRCh38, chr11:71,439,020, plus strand): 5'-GAGGGTCCAGGCGACGATCCCGGGGCGCCCATTGAAGAACAGCTTGAAGTCAAACCACTT[C>G]CCGATCCGAGGGTTAAACTCGATGCCCATCATGTAGTTGTAAAAGAAATTGCCTGTGAAT-3'
Protein context (NP_001351.2, residues 220-240): MMGIEFNPRI[Gly230=]KWFDFKLFFN

ClinVar aggregate classification (germline): Likely benign. Review status: criteria provided, multiple submitters, no conflicts (2 of 4 stars). 4 submissions from 4 submitters: Likely benign (3). 1 of the submissions does not count toward it. Last evaluated 2026-01-28.

Conditions:
DHCR7-related disorder. Also called: DHCR7-related condition.
Inborn genetic diseases. Identifiers: MedGen C0950123, MeSH D030342.
Smith-Lemli-Opitz syndrome (SLOS). Also called: LETHAL ACRODYSGENITAL SYNDROME; 7-Dehydrocholesterol reductase deficiency; POLYDACTYLY, SEX REVERSAL, RENAL HYPOPLASIA, AND UNILOBAR LUNG; RSH SYNDROME; RUTLEDGE LETHAL MULTIPLE CONGENITAL ANOMALY SYNDROME. Identifiers: Orphanet 818, MedGen C0175694, MONDO:0010035, OMIM 270400.

Allele frequency attached by ClinVar (database versions not stated): gnomAD exomes below 0.00001 and 0.00002; ExAC 0.00002; gnomAD 0.00007 and 0.00009; TOPMed 0.00009.
gnomAD v4.1: 16 of 1,614,006 alleles (0.00099%); highest among the groups gnomAD compares: African/African-American, 0.019%; no homozygotes.

Submissions (4):

Labcorp Genetics (formerly Invitae), Labcorp
Classification: Likely benign for Smith-Lemli-Opitz syndrome. Last evaluated: 2026-01-28. Review status: criteria provided, single submitter. Criteria: Invitae Variant Classification Sherloc (09022015). Collection method: clinical testing. Allele origin: germline.

Ambry Genetics
Classification: Likely benign for Inborn genetic diseases. Last evaluated: 2025-10-25. Review status: criteria provided, single submitter. Criteria: Ambry Variant Classification Scheme 2023. Collection method: clinical testing. Allele origin: germline.

Fulgent Genetics
Classification: Likely benign for Smith-Lemli-Opitz syndrome. Last evaluated: 2021-12-30. Review status: criteria provided, single submitter. Criteria: ACMG Guidelines, 2015. Collection method: clinical testing. Allele origin: unknown.

PreventionGenetics, part of Exact Sciences
Classification: Likely benign for DHCR7-related condition. Last evaluated: 2022-04-19. Review status: no assertion criteria provided. Collection method: clinical testing. Allele origin: germline. Not counted in ClinVar's aggregate classification.
Comment: This variant is classified as likely benign based on ACMG/AMP sequence variant interpretation guidelines (Richards et al. 2015 PMID: 25741868, with internal and published modifications).